The following is an entry in ClinVar:

NM_000081.4(LYST):c.754A>G (p.Asn252Asp)

Gene: LYST (lysosomal trafficking regulator; minus strand). Cytogenetic location: 1q42.3.
Variant type: single nucleotide variant.
Coding change: c.754A>G on transcript NM_000081.4 (MANE Select); coding-DNA position 754, A replaced by G.
Protein change: p.Asn252Asp; replaces asparagine 252 with aspartic acid.
Molecular consequence: missense variant.
Genome position (GRCh38, 1-based): chr1:235,810,064, T>C on the plus strand (A>G on the coding strand, the complement: LYST is on the minus strand). VCF-style: chr1-235810064-T-C. GRCh37 (hg19) VCF-style: chr1-235973364-T-C.
Other names: c.754A>G (NM_000081.2); c.754A>G, p.Asn252Asp (NM_001301365.1); short protein forms N252D.
Identifiers: ClinVar variation 952354 (VCV000952354.9), dbSNP rs369118576, ClinGen allele CA1467563.

ClinVar aggregate classification (germline): Uncertain significance. Review status: criteria provided, multiple submitters, no conflicts (2 of 4 stars). 2 submissions from 2 submitters: Uncertain significance (2). Last evaluated 2025-07-02.

Conditions:
Inborn genetic diseases. Identifiers: MedGen C0950123, MeSH D030342.
Chédiak-Higashi syndrome (CHS). Also called: Chediak-Higashi Syndrome. Identifiers: Orphanet 167, MedGen C0007965, MONDO:0008963, OMIM 214500.

Allele frequency attached by ClinVar (database versions not stated): gnomAD 0.00002; ExAC 0.00003; TOPMed 0.00003; ESP Exome Variant Server 0.00008.
gnomAD v4.1: 12 of 1,613,948 alleles (0.00074%); highest among the groups gnomAD compares: Non-Finnish European, 0.001%; no homozygotes.

Submissions (2):

Ambry Genetics
Classification: Uncertain significance for Inborn genetic diseases. Last evaluated: 2025-07-02. Review status: criteria provided, single submitter. Criteria: Ambry Variant Classification Scheme 2023. Collection method: clinical testing. Allele origin: germline.

Labcorp Genetics (formerly Invitae), Labcorp
Classification: Uncertain significance for Chédiak-Higashi syndrome. Last evaluated: 2022-04-19. Review status: criteria provided, single submitter. Criteria: Invitae Variant Classification Sherloc (09022015). Collection method: clinical testing. Allele origin: germline.
Comment: This sequence change replaces asparagine, which is neutral and polar, with aspartic acid, which is acidic and polar, at codon 252 of the LYST protein (p.Asn252Asp). This variant is present in population databases (rs369118576, gnomAD 0.004%). This variant has not been reported in the literature in individuals affected with LYST-related conditions. ClinVar contains an entry for this variant (Variation ID: 952354). Algorithms developed to predict the effect of missense changes on protein structure and function are either unavailable or do not agree on the potential impact of this missense change (SIFT: "Tolerated"; PolyPhen-2: "Probably Damaging"; Align-GVGD: "Class C0"). In summary, the available evidence is currently insufficient to determine the role of this variant in disease. Therefore, it has been classified as a Variant of Uncertain Significance.